The following is an entry in ClinVar:

NM_005359.6(SMAD4):c.667+5G>C

Gene: SMAD4 (SMAD family member 4; plus strand). Cytogenetic location: 18q21.2.
Variant type: single nucleotide variant.
Coding change: c.667+5G>C on transcript NM_005359.6 (MANE Select); 5 bases into the intron after coding-DNA position 667, G replaced by C.
Molecular consequence: intron variant.
Genome position (GRCh38, 1-based): chr18:51,054,998, G>C. VCF-style: chr18-51054998-G-C. GRCh37 (hg19) VCF-style: chr18-48581368-G-C.
Other names: c.667+5G>C (NM_001407042.1, NM_001407041.1, NM_001407043.1).
Identifiers: ClinVar variation 3386026 (VCV003386026.1).

ClinVar aggregate classification (germline): Uncertain significance (1 of 4 stars; one submission).

Conditions:
Juvenile polyposis/hereditary hemorrhagic telangiectasia syndrome (JPHT). Also called: JP/HHT SYNDROME; JUVENILE POLYPOSIS WITH HEREDITARY HEMORRHAGIC TELANGIECTASIA; POLYPOSIS, GENERALIZED JUVENILE, WITH PULMONARY ARTERIOVENOUS MALFORMATION; TELANGIECTASIA, HEREDITARY HEMORRHAGIC, WITH JUVENILE POLYPOSIS COLI; Juvenile Polyposis Syndrome / Hereditary Hemorrhagic Telangiectasia (JPS/HHT). Identifiers: Orphanet 2929, MedGen C1832942, MONDO:0008278, OMIM 175050.

Submission:

All of Us Research Program, National Institutes of Health
Classification: Uncertain significance for Juvenile polyposis/hereditary hemorrhagic telangiectasia syndrome. Last evaluated: 2024-08-06. Review status: criteria provided, single submitter. Criteria: ACMG Guidelines, 2015. Collection method: clinical testing. Allele origin: germline. Inheritance: Autosomal dominant inheritance. Observed: 1 variant allele, 1 heterozygote.
Comment: This study involves interpretation of variants in research participants for the purpose of population health screening. Participant phenotype was not available at the time of variant classification. Additional details can be found in publication PMID: 35346344, PMCID: PMC8962531